The following is an entry in ClinVar:

ClinVar aggregate classification (germline): Pathogenic. Review status: reviewed by expert panel (3 of 4 stars). 8 submissions from 8 submitters: Pathogenic (1). 7 of the submissions do not count toward it. Last evaluated 2017-12-15.

Conditions:
Hereditary cancer-predisposing syndrome. Also called: Neoplastic Syndromes, Hereditary; Hereditary neoplastic syndrome; Tumor predisposition; Hereditary Cancer Syndrome. Identifiers: Orphanet 140162, MedGen C0027672, MeSH D009386, MONDO:0015356.
Hereditary breast ovarian cancer syndrome. Also called: Hereditary breast and ovarian cancer syndrome (HBOC); BRCA1- and BRCA2-Associated Hereditary Breast and Ovarian Cancer; Hereditary breast and/or ovarian cancer syndrome; Hereditary breast and ovarian cancer syndrome; Hereditary breast and ovarian cancer; Breast and ovarian cancer. Identifiers: Orphanet 145, MedGen C0677776, MeSH D061325, MONDO:0003582. Disease mechanism: loss of function.
Breast and/or ovarian cancer. Identifiers: MedGen CN221562.
Inherited breast cancer and ovarian cancer.
Breast-ovarian cancer, familial, susceptibility to, 1 (BROVCA1). Also called: BRCA1 Hereditary Breast and Ovarian Cancer; OVARIAN CANCER, SUSCEPTIBILITY TO. Identifiers: Orphanet 145, MedGen C2676676, MONDO:0011450, OMIM 604370. Disease mechanism: loss of function.

Submissions (8):

Evidence-based Network for the Interpretation of Germline Mutant Alleles (ENIGMA)
Classification: Pathogenic for Breast-ovarian cancer, familial, susceptibility to, 1. Last evaluated: 2017-12-15. Review status: reviewed by expert panel. Criteria: ENIGMA BRCA1/2 Classification Criteria (2017-06-29). Collection method: curation. Allele origin: germline. Study: ENIGMA.
Comment: Variant allele predicted to encode a truncated non-functional protein.

Genomics and Molecular Medicine Service, East Genomic Laboratory Hub, NHS Genomic Medicine Service
Classification: Pathogenic for Inherited breast cancer and ovarian cancer. Last evaluated: 2024-06-04. Review status: criteria provided, single submitter. Criteria: ACGS Best Practice Guidelines for Variant Classification in Rare Disease 2020. Collection method: clinical testing. Allele origin: germline. Affected: yes. Not counted in ClinVar's aggregate classification.
Comment: PVS1,PM2

Baylor Genetics
Classification: Pathogenic for Breast-ovarian cancer, familial, susceptibility to, 1. Last evaluated: 2022-12-27. Review status: criteria provided, single submitter. Criteria: ACMG Guidelines, 2015. Collection method: clinical testing. Allele origin: unknown. Not counted in ClinVar's aggregate classification.

Ambry Genetics
Classification: Pathogenic for Hereditary cancer-predisposing syndrome. Last evaluated: 2021-09-17. Review status: criteria provided, single submitter. Criteria: Ambry Variant Classification Scheme 2023. Collection method: clinical testing. Allele origin: germline. Not counted in ClinVar's aggregate classification.
Comment: The p.Q1556* pathogenic mutation (also known as c.4666C>T), located in coding exon 13 of the BRCA1 gene, results from a C to T substitution at nucleotide position 4666. This changes the amino acid from a glutamine to a stop codon within coding exon 13. This variant has been observed in breast and ovarian cancer cohorts (Oros KK et al. Int J Cancer, 2004 Nov;112:411-9; Borg A et al. Hum Mutat, 2010 Mar;31:E1200-40; Lhotova K et al. Cancers (Basel), 2020 Apr;12). In silico splice site analysis predicts that this alteration will weaken the native splice donor site and will result in the creation or strengthening of a novel splice donor site. RNA studies have demonstrated that this alteration results in abnormal splicing in the set of samples tested (Ambry internal data). This alteration is expected to result in loss of function by premature protein truncation or nonsense-mediated mRNA decay. As such, this alteration is interpreted as a disease-causing mutation.

Labcorp Genetics (formerly Invitae), Labcorp
Classification: Pathogenic for Hereditary breast ovarian cancer syndrome. Last evaluated: 2021-03-02. Review status: criteria provided, single submitter. Criteria: Invitae Variant Classification Sherloc (09022015). Collection method: clinical testing. Allele origin: germline. Not counted in ClinVar's aggregate classification.
Comment: This sequence change creates a premature translational stop signal (p.Gln1556*) in the BRCA1 gene. It is expected to result in an absent or disrupted protein product. This variant is not present in population databases (ExAC no frequency). This variant has not been reported in the literature in individuals with BRCA1-related conditions. ClinVar contains an entry for this variant (Variation ID: 433717). Algorithms developed to predict the effect of sequence changes on RNA splicing suggest that this variant may create or strengthen a splice site, but this prediction has not been confirmed by published transcriptional studies. Loss-of-function variants in BRCA1 are known to be pathogenic (PMID: 20104584). For these reasons, this variant has been classified as Pathogenic.

Color Diagnostics, LLC DBA Color Health
Classification: Pathogenic for Hereditary cancer-predisposing syndrome. Last evaluated: 2020-09-08. Review status: criteria provided, single submitter. Criteria: ACMG Guidelines, 2015. Collection method: clinical testing. Allele origin: germline. Not counted in ClinVar's aggregate classification.
Comment: This variant changes 1 nucleotide in exon 14 of the BRCA1 gene, creating a premature translation stop signal. This variant is expected to result in an absent or non-functional protein product. To our knowledge, this variant has not been reported in individuals affected with hereditary cancer in the literature. This variant has not been identified in the general population by the Genome Aggregation Database (gnomAD). Loss of BRCA1 function is a known mechanism of disease. Based on the available evidence, this variant is classified as Pathogenic.

CZECANCA consortium
Classification: Pathogenic for Breast and/or ovarian cancer. Last evaluated: 2019-06-11. Review status: no assertion criteria provided. Collection method: clinical testing. Allele origin: germline. Affected: yes. Observed: 1 variant allele. Not counted in ClinVar's aggregate classification.

Department of Pathology and Laboratory Medicine, Sinai Health System
Classification: Pathogenic for Breast-ovarian cancer, familial, susceptibility to, 1. Review status: no assertion criteria provided. Collection method: clinical testing. Allele origin: unknown. Affected: yes. Observed: 1 variant allele. Study: The Canadian Open Genetics Repository (COGR). Not counted in ClinVar's aggregate classification.
Comment: The p.Gln1556X variant has not been reported in the literature. The variant leads to a premature stop codon at position 1556 which is predicted to cause premature truncation of the protein product. This is a loss of function DNA variant and loss of function is an established disease mechanism for the BRCA1 gene in hereditary breast and ovarian cancer. In summary, based on the above information, this variant is classified as pathogenic.

Literature cited by the submitters: PubMed 15382066 (cited by Ambry Genetics); PubMed 20104584 (cited by Ambry Genetics and Labcorp Genetics (formerly Invitae), Labcorp); PubMed 32295079 (cited by Ambry Genetics and CZECANCA consortium).

NM_007294.4(BRCA1):c.4666C>T (p.Gln1556Ter)

Gene: BRCA1 (BRCA1 DNA repair associated; minus strand). Cytogenetic location: 17q21.31.
Variant type: single nucleotide variant.
Coding change: c.4666C>T on transcript NM_007294.4 (MANE Select); coding-DNA position 4666, C replaced by T.
Protein change: p.Gln1556Ter; replaces glutamine 1556 with a stop codon.
Molecular consequence: nonsense. On other transcripts: non-coding transcript variant (1).
Genome position (GRCh38, 1-based): chr17:43,074,340, G>A on the plus strand (C>T on the coding strand, the complement: BRCA1 is on the minus strand). VCF-style: chr17-43074340-G-A. GRCh37 (hg19) VCF-style: chr17-41226357-G-A.
Other names: c.4660C>T, p.Gln1554Ter (NM_001407638.1, NM_001407639.1, NM_001407640.1 and 14 more transcripts); c.4657C>T, p.Gln1553Ter (NM_001407644.1, NM_001407645.1); c.4654C>T, p.Gln1552Ter (NM_001407646.1); c.4582C>T, p.Gln1528Ter (NM_001407659.1, NM_001407660.1, NM_001407661.1 and 2 more transcripts); c.4543C>T, p.Gln1515Ter (NM_001407664.1, NM_001407665.1, NM_001407666.1 and 6 more transcripts); c.4540C>T, p.Gln1514Ter (NM_001407678.1, NM_001407679.1, NM_001407680.1 and 11 more transcripts); c.4537C>T, p.Gln1513Ter (NM_001407681.1, NM_001407682.1, NM_001407683.1 and 6 more transcripts); c.4666C>T, p.Gln1556Ter (NM_001407684.1, NM_001407854.1, NM_001407593.1 and 8 more transcripts); and 68 more; short protein forms Q1556*, Q1509*, Q452*, Q1577*, Q1429*, Q1443*, Q1468*, Q1484*.
Identifiers: ClinVar variation 433717 (VCV000433717.19), dbSNP rs1555581812, ClinGen allele CA10592179.